The following is an entry in ClinVar:

NM_006231.4(POLE):c.16G>T (p.Gly6Cys)

Genes: POLE (DNA polymerase epsilon, catalytic subunit; minus strand), LOC130009266 (ATAC-STARR-seq lymphoblastoid silent region 5123; plus strand). Cytogenetic location: 12q24.33.
Variant type: single nucleotide variant.
Coding change: c.16G>T on transcript NM_006231.4 (MANE Select); coding-DNA position 16, G replaced by T.
Protein change: p.Gly6Cys; replaces glycine 6 with cysteine.
Molecular consequence: missense variant.
Genome position (GRCh38, 1-based): chr12:132,687,300, C>A on the plus strand (G>T on the coding strand, the complement: POLE is on the minus strand). VCF-style: chr12-132687300-C-A. GRCh37 (hg19) VCF-style: chr12-133263886-C-A.
Other names: short protein forms G6C.
Identifiers: ClinVar variation 1055605 (VCV001055605.10), dbSNP rs202220778, ClinGen allele CA387373505.

ClinVar aggregate classification (germline): Uncertain significance (1 of 4 stars; one submission).

Submission:

Labcorp Genetics (formerly Invitae), Labcorp
Classification: Uncertain significance. Last evaluated: 2024-12-12. Review status: criteria provided, single submitter. Criteria: Invitae Variant Classification Sherloc (09022015). Collection method: clinical testing. Allele origin: germline.
Comment: This sequence change replaces glycine, which is neutral and non-polar, with cysteine, which is neutral and slightly polar, at codon 6 of the POLE protein (p.Gly6Cys). This variant is not present in population databases (gnomAD no frequency). This variant has not been reported in the literature in individuals affected with POLE-related conditions. ClinVar contains an entry for this variant (Variation ID: 1055605). Experimental studies and prediction algorithms are not available or were not evaluated, and the functional significance of this variant is currently unknown. In summary, the available evidence is currently insufficient to determine the role of this variant in disease. Therefore, it has been classified as a Variant of Uncertain Significance.